The following is an entry in ClinVar:

NM_016203.4(PRKAG2):c.337T>G (p.Ser113Ala)

Gene: PRKAG2 (protein kinase AMP-activated non-catalytic subunit gamma 2; minus strand). Cytogenetic location: 7q36.1.
Variant type: single nucleotide variant.
Coding change: c.337T>G on transcript NM_016203.4 (MANE Select); coding-DNA position 337, T replaced by G.
Protein change: p.Ser113Ala; replaces serine 113 with alanine.
Molecular consequence: missense variant. On other transcripts: intron variant (1).
Genome position (GRCh38, 1-based): chr7:151,781,281, A>C on the plus strand (T>G on the coding strand, the complement: PRKAG2 is on the minus strand). VCF-style: chr7-151781281-A-C. GRCh37 (hg19) VCF-style: chr7-151478367-A-C.
Other names: c.205T>G, p.Ser69Ala (NM_001040633.2, NM_001407024.1, NM_001407026.1 and 2 more transcripts); c.337T>G, p.Ser113Ala (NM_001407021.1, NM_001407022.1, NM_001407023.1 and 2 more transcripts); c.148+33135T>G (NM_001407032.1); short protein forms S113A, S69A.
Identifiers: ClinVar variation 3898888 (VCV003898888.1).
Genomic context (GRCh38, chr7:151,781,281, plus strand): 5'-CTTTGGAGGAGGAGCGGAAGATCCCACTGAAGCTCATGCGTCGAGGGGAGCGTGGCGGGG[A>C]CTCCTGGTAGGAGAACGGGAACACGGTTTTGGGAGAGCCGGGGCTGGTCTTGGGCCTCAC-3'
Protein context (NP_057287.2, residues 103-123): KTVFPFSYQE[Ser113Ala]PPRSPRRMSF

ClinVar aggregate classification (germline): Uncertain significance (1 of 4 stars; one submission).

Submission:

GeneDx
Classification: Uncertain significance. Last evaluated: 2024-11-08. Review status: criteria provided, single submitter. Criteria: GeneDx Variant Classification Process June 2021. Collection method: clinical testing. Allele origin: germline. Affected: yes.
Comment: Not observed at significant frequency in large population cohorts (gnomAD); In silico analysis indicates that this missense variant does not alter protein structure/function; Has not been previously published as pathogenic or benign to our knowledge